The following is an entry in ClinVar:

NM_006087.4(TUBB4A):c.1266C>T (p.Tyr422=)

Gene: TUBB4A (tubulin beta 4A class IVa; minus strand). Cytogenetic location: 19p13.3.
Variant type: single nucleotide variant.
Coding change: c.1266C>T on transcript NM_006087.4 (MANE Select); coding-DNA position 1266, C replaced by T.
Protein change: p.Tyr422=; no amino-acid change (tyrosine 422 retained).
Molecular consequence: synonymous variant.
Genome position (GRCh38, 1-based): chr19:6,495,233, G>A on the plus strand (C>T on the coding strand, the complement: TUBB4A is on the minus strand). VCF-style: chr19-6495233-G-A. GRCh37 (hg19) VCF-style: chr19-6495244-G-A.
Other names: c.1419C>T, p.Tyr473= (NM_001289123.2); c.1401C>T, p.Tyr467= (NM_001289127.2); c.1266C>T, p.Tyr422= (NM_001289129.2); c.1050C>T, p.Tyr350= (NM_001289130.2, NM_001289131.2).
Identifiers: ClinVar variation 4821256 (VCV004821256.4).

ClinVar aggregate classification (germline): Likely benign (1 of 4 stars; one submission).

Submission:

CeGaT Center for Human Genetics Tuebingen
Classification: Likely benign. Last evaluated: 2026-03-01. Review status: criteria provided, single submitter. Criteria: CeGaT Center For Human Genetics Tuebingen Variant Classification Criteria Version 2. Collection method: clinical testing. Allele origin: germline. Affected: yes. Observed: 1 variant allele.
Comment: TUBB4A: BP4, BP7